The following is an entry in ClinVar:

NM_001323289.2(CDKL5):c.2016dup (p.Ser673fs)

Gene: CDKL5 (cyclin dependent kinase like 5; plus strand). Cytogenetic location: Xp22.13.
Variant type: Duplication.
Coding change: c.2016dup on transcript NM_001323289.2 (MANE Select); coding-DNA position 2016, one base duplicated (C; older notation c.2016dupC).
Protein change: p.Ser673fs; shifts the reading frame from serine 673.
Molecular consequence: frameshift variant.
Genome position (GRCh38, 1-based): chrX:18,608,882, C duplicated; the last of 2 consecutive C bases (chrX:18,608,881-18,608,882); duplicating either gives the same sequence. VCF-style (leftmost placement, unchanged base first): chrX-18608880-A-AC. GRCh37 (hg19) VCF-style: chrX-18627000-A-AC.
Other names: NM_001323289.2(CDKL5):c.2016dup; p.Ser673fs; c.2016dup, p.Ser673fs (NM_001037343.2, NM_003159.3); c.2016dupC (NM_003159.2); short protein forms S673fs.
Identifiers: ClinVar variation 143793 (VCV000143793.4), dbSNP rs267608648, ClinGen allele CA170467.

ClinVar aggregate classification (germline): Pathogenic. Review status: criteria provided, single submitter (1 of 4 stars). 2 submissions from 2 submitters: Pathogenic (1). 1 of the submissions does not count toward it. Last evaluated 2024-09-18.

Conditions:
CDKL5 disorder. Identifiers: MedGen CN296942, MONDO:0100039.
Developmental and epileptic encephalopathy, 2 (DEE2). Also called: INFANTILE SPASM SYNDROME, X-LINKED 2; CDKL5 deficiency disorder. Identifiers: Orphanet 1934, Orphanet 3451, Orphanet 505652, MedGen C4750718, MONDO:0010396, OMIM 300672.

Submissions (2):

Centre for Population Genomics, CPG
Classification: Pathogenic for CDKL5 disorder. Last evaluated: 2024-09-18. Review status: criteria provided, single submitter. Criteria: McKnight et al. (Hum Mutat. 2022). Collection method: curation. Allele origin: germline. Inheritance: X-linked inheritance.
Comment: This variant has been collected from RettBASE and curated to current modified ACMG/AMP criteria. Based on the classification scheme defined by the ClinGen Rett/Angelman-like Expert Panel for Rett/AS-like Disorders Specifications to the ACMG/AMP Variant Interpretation Guidelines VCEP 3.0, this variant is classified as pathogenic. At least the following criteria are met: Predicted to result in loss of function, and LOF is a known mechanism of disease (PVS1). This variant has been identified as a de novo occurrence in an individual with CDKL5 disorder without confirmation of paternity and maternity (PM6). This variant is absent from gnomAD v4 (PM2_Supporting).

RettBASE
Classification: Pathogenic for Epileptic encephalopathy, early infantile, 2. Last evaluated: 2014-03-13. Review status: no assertion criteria provided. Collection method: curation. Allele origin: de novo. Affected: yes. Observed: 1 variant allele. Not counted in ClinVar's aggregate classification.

Literature cited by the submitters: PubMed 21770923 (cited by RettBASE).